The following is an entry in ClinVar:

ClinVar aggregate classification (germline): Conflicting classifications of pathogenicity. Review status: criteria provided, conflicting classifications (1 of 4 stars). 2 submissions from 2 submitters: Uncertain significance (1); Likely benign (1). Last evaluated 2023-07-17.

Conditions:
Mitochondrial complex II deficiency, nuclear type 1. Also called: SUCCINATE CoQ REDUCTASE DEFICIENCY. Identifiers: Orphanet 3208, MedGen C5700310, MONDO:0100294, OMIM 252011.
Pheochromocytoma/paraganglioma syndrome 5. Also called: Paragangliomas 5; SDHA-Related Hereditary Paraganglioma-Pheochromocytoma Syndrome. Identifiers: Orphanet 29072, MedGen C3279992, MONDO:0013602, OMIM 614165.
Hereditary cancer-predisposing syndrome. Also called: Tumor predisposition; Hereditary Cancer Syndrome; Hereditary neoplastic syndrome; Neoplastic Syndromes, Hereditary. Identifiers: Orphanet 140162, MedGen C0027672, MeSH D009386, MONDO:0015356.

Allele frequency attached by ClinVar (database versions not stated): gnomAD exomes below 0.00001.
gnomAD v4.1: 2 of 1,612,210 alleles (0.00012%); highest among the groups gnomAD compares: African/African-American, 0.0013%; no homozygotes.

Submissions (2):

Ambry Genetics
Classification: Likely benign for Hereditary cancer-predisposing syndrome. Last evaluated: 2023-07-17. Review status: criteria provided, single submitter. Criteria: Ambry Variant Classification Scheme 2023. Collection method: clinical testing. Allele origin: germline.

Labcorp Genetics (formerly Invitae), Labcorp
Classification: Uncertain significance for Pheochromocytoma/paraganglioma syndrome 5; Mitochondrial complex II deficiency, nuclear type 1. Last evaluated: 2023-05-07. Review status: criteria provided, single submitter. Criteria: Invitae Variant Classification Sherloc (09022015). Collection method: clinical testing. Allele origin: germline.
Comment: ClinVar contains an entry for this variant (Variation ID: 1401941). In summary, the available evidence is currently insufficient to determine the role of this variant in disease. Therefore, it has been classified as a Variant of Uncertain Significance. Variants that disrupt the consensus splice site are a relatively common cause of aberrant splicing (PMID: 17576681, 9536098). Algorithms developed to predict the effect of sequence changes on RNA splicing suggest that this variant may disrupt the consensus splice site. This variant has not been reported in the literature in individuals affected with SDHA-related conditions. This variant is not present in population databases (gnomAD no frequency). This sequence change affects codon 104 of the SDHA mRNA. It is a 'silent' change, meaning that it does not change the encoded amino acid sequence of the SDHA protein. This variant also falls at the last nucleotide of exon 3, which is part of the consensus splice site for this exon.

Literature cited by the submitters: PubMed 17576681 (cited by Labcorp Genetics (formerly Invitae), Labcorp); PubMed 9536098 (cited by Labcorp Genetics (formerly Invitae), Labcorp).

NM_004168.4(SDHA):c.312G>A (p.Gln104=)

Gene: SDHA (succinate dehydrogenase complex flavoprotein subunit A; plus strand). Cytogenetic location: 5p15.33.
Variant type: single nucleotide variant.
Coding change: c.312G>A on transcript NM_004168.4 (MANE Select); coding-DNA position 312, G replaced by A.
Protein change: p.Gln104=; no amino-acid change (glutamine 104 retained).
Molecular consequence: synonymous variant.
Genome position (GRCh38, 1-based): chr5:224,521, G>A. VCF-style: chr5-224521-G-A. GRCh37 (hg19) VCF-style: chr5-224636-G-A.
Other names: c.312G>A, p.Gln104= (NM_001294332.2, NM_001330758.2); c.312G>A (NM_004168.2).
Identifiers: ClinVar variation 1401941 (VCV001401941.8), dbSNP rs2126543437, ClinGen allele CA442690940.